The following is an entry in ClinVar:

ClinVar aggregate classification (germline): Uncertain significance (1 of 4 stars; one submission).

Allele frequency attached by ClinVar (database versions not stated): TOPMed below 0.00001; gnomAD 0.00001.

Submission:

Labcorp Genetics (formerly Invitae), Labcorp
Classification: Uncertain significance. Last evaluated: 2023-08-23. Review status: criteria provided, single submitter. Criteria: Invitae Variant Classification Sherloc (09022015). Collection method: clinical testing. Allele origin: germline.
Comment: In summary, the available evidence is currently insufficient to determine the role of this variant in disease. Therefore, it has been classified as a Variant of Uncertain Significance. Algorithms developed to predict the effect of missense changes on protein structure and function output the following: SIFT: "Not Available"; PolyPhen-2: "Benign"; Align-GVGD: "Not Available". The asparagine amino acid residue is found in multiple mammalian species, which suggests that this missense change does not adversely affect protein function. This variant has not been reported in the literature in individuals affected with KIAA0753-related conditions. This variant is present in population databases (no rsID available, gnomAD 0.007%). This sequence change replaces histidine, which is basic and polar, with asparagine, which is neutral and polar, at codon 159 of the KIAA0753 protein (p.His159Asn).

NM_014804.3(KIAA0753):c.475C>A (p.His159Asn)

Gene: KIAA0753 (KIAA0753; minus strand). Cytogenetic location: 17p13.1.
Variant type: single nucleotide variant.
Coding change: c.475C>A on transcript NM_014804.3 (MANE Select); coding-DNA position 475, C replaced by A.
Protein change: p.His159Asn; replaces histidine 159 with asparagine.
Molecular consequence: missense variant. On other transcripts: 5 prime UTR variant (1), non-coding transcript variant (3).
Genome position (GRCh38, 1-based): chr17:6,628,360, G>T on the plus strand (C>A on the coding strand, the complement: KIAA0753 is on the minus strand). VCF-style: chr17-6628360-G-T. GRCh37 (hg19) VCF-style: chr17-6531680-G-T.
Other names: c.-760C>A (NM_001351225.2); short protein forms H159N.
Identifiers: ClinVar variation 2781160 (VCV002781160.3), dbSNP rs1255724547, ClinGen allele CA397414812.